The following is an entry in ClinVar:

NM_001367561.1(DOCK7):c.390A>C (p.Lys130Asn)

Gene: DOCK7 (dedicator of cytokinesis 7; minus strand). Cytogenetic location: 1p31.3.
Variant type: single nucleotide variant.
Coding change: c.390A>C on transcript NM_001367561.1 (MANE Select); coding-DNA position 390, A replaced by C.
Protein change: p.Lys130Asn; replaces lysine 130 with asparagine.
Molecular consequence: missense variant.
Genome position (GRCh38, 1-based): chr1:62,648,544, T>G on the plus strand (A>C on the coding strand, the complement: DOCK7 is on the minus strand). VCF-style: chr1-62648544-T-G. GRCh37 (hg19) VCF-style: chr1-63114215-T-G.
Other names: c.390A>C, p.Lys130Asn (NM_001271999.2, NM_001272000.2, NM_001272001.2 and 3 more transcripts); short protein forms K130N.
Identifiers: ClinVar variation 4751396 (VCV004751396.2).

ClinVar aggregate classification (germline): Uncertain significance. Review status: criteria provided, multiple submitters, no conflicts (2 of 4 stars). 2 submissions from 2 submitters: Uncertain significance (2). Last evaluated 2026-01-12.

Conditions:
Developmental and epileptic encephalopathy, 23 (DEE23). Also called: Epileptic encephalopathy, early infantile, 23. Identifiers: Orphanet 411986, MedGen C4014492, MONDO:0014371, OMIM 615859.

gnomAD v4.1: 52 of 1,290,232 alleles (0.004%); highest among the groups gnomAD compares: Non-Finnish European, 0.0011%; no homozygotes.

Submissions (2):

Labcorp Genetics (formerly Invitae), Labcorp
Classification: Uncertain significance for Developmental and epileptic encephalopathy, 23. Last evaluated: 2026-01-12. Review status: criteria provided, single submitter. Criteria: Invitae Variant Classification Sherloc (09022015). Collection method: clinical testing. Allele origin: germline.
Comment: This sequence change replaces lysine, which is basic and polar, with asparagine, which is neutral and polar, at codon 130 of the DOCK7 protein (p.Lys130Asn). This variant is present in population databases (rs550800563, gnomAD 0.07%). This variant has not been reported in the literature in individuals affected with DOCK7-related conditions. An algorithm developed to predict the effect of missense changes on protein structure and function (PolyPhen-2) suggests that this variant is likely to be tolerated. In summary, the available evidence is currently insufficient to determine the role of this variant in disease. Therefore, it has been classified as a Variant of Uncertain Significance.

Blueprint Genetics
Classification: Uncertain significance. Last evaluated: 2022-04-22. Review status: criteria provided, single submitter. Criteria: ACMG Guidelines, 2015. Collection method: clinical testing. Allele origin: germline.